The following is an entry in ClinVar:

NM_000223.4(KRT12):c.1424A>G (p.Gln475Arg)

Gene: KRT12 (keratin 12; minus strand). Cytogenetic location: 17q21.2.
Variant type: single nucleotide variant.
Coding change: c.1424A>G on transcript NM_000223.4 (MANE Select); coding-DNA position 1424, A replaced by G.
Protein change: p.Gln475Arg; replaces glutamine 475 with arginine.
Molecular consequence: missense variant.
Genome position (GRCh38, 1-based): chr17:40,861,722, T>C on the plus strand (A>G on the coding strand, the complement: KRT12 is on the minus strand). VCF-style: chr17-40861722-T-C. GRCh37 (hg19) VCF-style: chr17-39017974-T-C.
Other names: c.1424A>G (NM_000223.3); short protein forms Q475R.
Identifiers: ClinVar variation 2647749 (VCV002647749.28), dbSNP rs150149178, ClinGen allele CA8548580.

ClinVar aggregate classification (germline): Likely benign. Review status: criteria provided, multiple submitters, no conflicts (2 of 4 stars). 3 submissions from 3 submitters: Likely benign (2). 1 of the submissions does not count toward it. Last evaluated 2023-11-02.

Conditions:
KRT12-related disorder. Also called: KRT12-related condition.

Allele frequency attached by ClinVar (database versions not stated): 1000 Genomes Project 0.00060; 1000 Genomes Project 30x 0.00062; TOPMed 0.00084; gnomAD 0.00096; ExAC 0.00113; ESP Exome Variant Server 0.00146; gnomAD exomes 0.00154.
gnomAD v4.1: 2,375 of 1,613,904 alleles (0.15%); highest among the groups gnomAD compares: South Asian, 0.19%; 5 homozygotes.

Submissions (3):

Labcorp Genetics (formerly Invitae), Labcorp
Classification: Likely benign. Last evaluated: 2023-11-02. Review status: criteria provided, single submitter. Criteria: Invitae Variant Classification Sherloc (09022015). Collection method: clinical testing. Allele origin: germline.

CeGaT Center for Human Genetics Tuebingen
Classification: Likely benign. Last evaluated: 2023-02-01. Review status: criteria provided, single submitter. Criteria: CeGaT Center For Human Genetics Tuebingen Variant Classification Criteria Version 2. Collection method: clinical testing. Allele origin: germline. Affected: yes. Observed: 1 variant allele.
Comment: KRT12: BP4

PreventionGenetics, part of Exact Sciences
Classification: Likely benign for KRT12-related condition. Last evaluated: 2019-05-06. Review status: no assertion criteria provided. Collection method: clinical testing. Allele origin: germline. Not counted in ClinVar's aggregate classification.
Comment: This variant is classified as likely benign based on ACMG/AMP sequence variant interpretation guidelines (Richards et al. 2015 PMID: 25741868, with internal and published modifications).